The following is an entry in ClinVar:

NM_005052.3(RAC3):c.359G>A (p.Arg120His)

Gene: RAC3 (Rac family small GTPase 3; plus strand). Cytogenetic location: 17q25.3.
Variant type: single nucleotide variant.
Coding change: c.359G>A on transcript NM_005052.3 (MANE Select); coding-DNA position 359, G replaced by A.
Protein change: p.Arg120His; replaces arginine 120 with histidine.
Molecular consequence: missense variant.
Genome position (GRCh38, 1-based): chr17:82,033,510, G>A. VCF-style: chr17-82033510-G-A. GRCh37 (hg19) VCF-style: chr17-79991386-G-A.
Other names: c.359G>A, p.Arg120His (NM_001316307.2); short protein forms R120H.
Identifiers: ClinVar variation 1690919 (VCV001690919.2), dbSNP rs2144160045, ClinGen allele CA401554445.

ClinVar aggregate classification (germline): Uncertain significance (1 of 4 stars; one submission).

Allele frequency attached by ClinVar (database versions not stated): gnomAD exomes below 0.00001.
gnomAD v4.1: 1 of 1,612,856 alleles (0.000062%); highest among the groups gnomAD compares: Non-Finnish European, 0.000085%; no homozygotes.

Submission:

Laboratorio de Genetica e Diagnostico Molecular, Hospital Israelita Albert Einstein
Classification: Uncertain significance. Last evaluated: 2020-07-19. Review status: criteria provided, single submitter. Criteria: ACMG Guidelines, 2015. Collection method: clinical testing. Allele origin: germline. Affected: yes.
Comment: ACMG classification criteria: PM2, PP3